The following is an entry in ClinVar:

NM_001364905.1(LRBA):c.4251T>C (p.Leu1417=)

Gene: LRBA (LPS responsive beige-like anchor protein; minus strand). Cytogenetic location: 4q31.3.
Variant type: single nucleotide variant.
Coding change: c.4251T>C on transcript NM_001364905.1 (MANE Select); coding-DNA position 4251, T replaced by C.
Protein change: p.Leu1417=; no amino-acid change (leucine 1417 retained).
Molecular consequence: synonymous variant.
Genome position (GRCh38, 1-based): chr4:150,848,906, A>G on the plus strand (T>C on the coding strand, the complement: LRBA is on the minus strand). VCF-style: chr4-150848906-A-G. GRCh37 (hg19) VCF-style: chr4-151770058-A-G.
Other names: c.4251T>C, p.Leu1417= (NM_001367550.1, NM_006726.5, NM_001199282.3).
Identifiers: ClinVar variation 1156651 (VCV001156651.11), dbSNP rs368359223, ClinGen allele CA3102847.

ClinVar aggregate classification (germline): Likely benign. Review status: criteria provided, single submitter (1 of 4 stars). 2 submissions from 2 submitters: Likely benign (1). 1 of the submissions does not count toward it. Last evaluated 2026-01-06.

Conditions:
Combined immunodeficiency due to LRBA deficiency. Also called: Common variable immunodeficiency 8, with autoimmunity. Identifiers: Orphanet 445018, MedGen C3553512, MONDO:0013863, OMIM 614700.
LRBA-related disorder. Also called: LRBA-related condition.

Allele frequency attached by ClinVar (database versions not stated): gnomAD exomes below 0.00001; ExAC 0.00001.

Submissions (2):

Labcorp Genetics (formerly Invitae), Labcorp
Classification: Likely benign for Combined immunodeficiency due to LRBA deficiency. Last evaluated: 2026-01-06. Review status: criteria provided, single submitter. Criteria: Invitae Variant Classification Sherloc (09022015). Collection method: clinical testing. Allele origin: germline.

PreventionGenetics, part of Exact Sciences
Classification: Likely benign for LRBA-related condition. Last evaluated: 2020-10-09. Review status: no assertion criteria provided. Collection method: clinical testing. Allele origin: germline. Not counted in ClinVar's aggregate classification.
Comment: This variant is classified as likely benign based on ACMG/AMP sequence variant interpretation guidelines (Richards et al. 2015 PMID: 25741868, with internal and published modifications).